The following is an entry in ClinVar:

NM_001042492.3(NF1):c.6921+2_6921+3dup

Gene: NF1 (neurofibromin 1; plus strand). Cytogenetic location: 17q11.2.
Variant type: Duplication.
Coding change: c.6921+2_6921+3dup on transcript NM_001042492.3 (MANE Select); the canonical splice donor site of the intron after coding-DNA position 6921 through 3 bases into the intron after coding-DNA position 6921, 2 bases duplicated (TA; older notation c.6921+2_6921+3dupTA).
Molecular consequence: splice donor variant.
Genome position (GRCh38, 1-based): chr17:31,338,807-31,338,808, TA duplicated. VCF-style (leftmost placement, unchanged base first): chr17-31338806-G-GTA. GRCh37 (hg19) VCF-style: chr17-29665824-G-GTA.
Other names: c.6858+2_6858+3dup (NM_000267.4).
Identifiers: ClinVar variation 2738910 (VCV002738910.3), dbSNP rs2508763325, ClinGen allele CA2697559636.

ClinVar aggregate classification (germline): Uncertain significance (1 of 4 stars; one submission).

Conditions:
Neurofibromatosis, type 1 (NF1). Also called: Neurofibromatosis, type I; Peripheral type neurofibromatosis; VON RECKLINGHAUSEN DISEASE; NEUROFIBROMATOSIS, TYPE I, SOMATIC. Identifiers: Orphanet 636, MedGen C0027831, MONDO:0018975, OMIM 162200. Disease mechanism: loss of function.

Submission:

Labcorp Genetics (formerly Invitae), Labcorp
Classification: Uncertain significance for Neurofibromatosis, type 1. Last evaluated: 2023-07-08. Review status: criteria provided, single submitter. Criteria: Invitae Variant Classification Sherloc (09022015). Collection method: clinical testing. Allele origin: germline.
Comment: This sequence change falls in intron 45 of the NF1 gene. It does not directly change the encoded amino acid sequence of the NF1 protein. It affects a nucleotide within the consensus splice site. In summary, the available evidence is currently insufficient to determine the role of this variant in disease. Therefore, it has been classified as a Variant of Uncertain Significance. Variants that disrupt the consensus splice site are a relatively common cause of aberrant splicing (PMID: 17576681, 9536098). Algorithms developed to predict the effect of sequence changes on RNA splicing suggest that this variant may disrupt the consensus splice site. This variant has not been reported in the literature in individuals affected with NF1-related conditions. This variant is not present in population databases (gnomAD no frequency).

Literature cited by the submitters: PubMed 17576681; PubMed 9536098.